The following is an entry in ClinVar:

NM_130837.3(OPA1):c.1640del (p.Pro547fs)

Gene: OPA1 (OPA1 mitochondrial dynamin like GTPase; plus strand). Cytogenetic location: 3q29.
Variant type: Deletion.
Coding change: c.1640del on transcript NM_130837.3 (MANE Select); coding-DNA position 1640, one base deleted (C; older notation c.1640delC).
Protein change: p.Pro547fs; shifts the reading frame from proline 547.
Molecular consequence: frameshift variant.
Genome position (GRCh38, 1-based): chr3:193,645,584, C deleted; the last of 3 consecutive C bases (chr3:193,645,582-193,645,584); deleting any one gives the same sequence. VCF-style (leftmost placement, unchanged base first): chr3-193645581-TC-T. GRCh37 (hg19) VCF-style: chr3-193363370-TC-T.
Other names: c.1106del, p.Pro369fs (NM_001354663.2); c.1103del, p.Pro368fs (NM_001354664.2); c.1475del, p.Pro492fs (NM_015560.3); c.1367del, p.Pro456fs (NM_130831.3); c.1421del, p.Pro474fs (NM_130832.3); c.1478del, p.Pro493fs (NM_130833.3); c.1529del, p.Pro510fs (NM_130834.3); c.1532del, p.Pro511fs (NM_130835.3); and 1 more; short protein forms P368fs, P369fs, P456fs, P474fs, P492fs, P493fs, P510fs, P511fs.
Identifiers: ClinVar variation 4795203 (VCV004795203.1).
Genomic context (GRCh38, chr3:193,645,581, plus strand): 5'-CTCACATTAATTTTTCCCACTTTTAAAAATAGATTCAGCAGATAATTGAAGGAAAGCTCT[TC>T]CCAATGAAAGCTTTAGGTTATTTTGCTGTTGTAACAGGAAAAGGTATGCAAAGATGGATT-3'

ClinVar aggregate classification (germline): Likely pathogenic (1 of 4 stars; one submission).

Conditions:
Abortive cerebellar ataxia (BEHRS). Also called: OPTIC ATROPHY, INFANTILE HEREDITARY, WITH NEUROLOGIC ABNORMALITIES; Behr syndrome. Identifiers: Orphanet 1239, MedGen C0221061, MONDO:0008858, OMIM 210000.

Submission:

Laboratorio de Biologia Molecular/Medicina Genomica - IFF/Fiocruz, Instituto Fernandes Figueira, Fundacao Oswaldo Cruz
Classification: Likely pathogenic for Abortive cerebellar ataxia. Last evaluated: 2025-09-02. Review status: criteria provided, single submitter. Criteria: ACMG Guidelines, 2015. Collection method: clinical testing. Allele origin: germline. Affected: yes. Observed: 1 variant allele.
Comment: Variant: c.1640del (p.Pro547GlnfsTer2) in exon 17 of the OPA1 gene. Protein effect: Frameshift variant predicted to undergo NMD in a gene where LoF is a known mechanism of disease. Population database (gnomAD): Absent. ACMG/AMP criteria applied: PVS1, PM2_Supporting.